The following is an entry in ClinVar:

NM_003476.5(CSRP3):c.445A>T (p.Ile149Phe)

Gene: CSRP3 (cysteine and glycine rich protein 3; minus strand). Cytogenetic location: 11p15.1.
Variant type: single nucleotide variant.
Coding change: c.445A>T on transcript NM_003476.5 (MANE Select); coding-DNA position 445, A replaced by T.
Protein change: p.Ile149Phe; replaces isoleucine 149 with phenylalanine.
Molecular consequence: missense variant. On other transcripts: synonymous variant (1).
Genome position (GRCh38, 1-based): chr11:19,185,015, T>A on the plus strand (A>T on the coding strand, the complement: CSRP3 is on the minus strand). VCF-style: chr11-19185015-T-A. GRCh37 (hg19) VCF-style: chr11-19206562-T-A.
Other names: c.276A>T, p.Pro92= (NM_001369404.1); short protein forms I149F.
Identifiers: ClinVar variation 846160 (VCV000846160.8), dbSNP rs1490491672, ClinGen allele CA379887742.

ClinVar aggregate classification (germline): Uncertain significance. Review status: criteria provided, multiple submitters, no conflicts (2 of 4 stars). 2 submissions from 2 submitters: Uncertain significance (2). Last evaluated 2026-08-07.

Conditions:
Dilated cardiomyopathy 1M (CMD1M). Identifiers: Orphanet 154, MedGen C1843808, MONDO:0011840, OMIM 607482.
Hypertrophic cardiomyopathy 12. Identifiers: MedGen C2677491, MONDO:0012804, OMIM 612124.
CSRP3-related disorder. Also called: CSRP3-related disorders; CSRP3-related condition.

Allele frequency attached by ClinVar (database versions not stated): gnomAD 0.00001; TOPMed 0.00002.
gnomAD v4.1: 4 of 1,614,122 alleles (0.00025%); highest among the groups gnomAD compares: African/African-American, 0.0027%; no homozygotes.

Submissions (2):

PreventionGenetics, part of Exact Sciences
Classification: Uncertain significance for CSRP3-related condition. Last evaluated: 2026-08-07. Review status: criteria provided, single submitter. Criteria: ACMG Guidelines, 2015. Collection method: clinical testing. Allele origin: germline.
Comment: The CSRP3 c.445A>T variant is predicted to result in the amino acid substitution p.Ile149Phe. To our knowledge, this variant has not been reported in the literature or in a large population database (gnomAD), indicating this variant is rare. At this time, the clinical significance of this variant is uncertain due to the absence of conclusive functional and genetic evidence.

Labcorp Genetics (formerly Invitae), Labcorp
Classification: Uncertain significance for Hypertrophic cardiomyopathy 12; Dilated cardiomyopathy 1M. Last evaluated: 2024-10-22. Review status: criteria provided, single submitter. Criteria: Invitae Variant Classification Sherloc (09022015). Collection method: clinical testing. Allele origin: germline.
Comment: This sequence change replaces isoleucine, which is neutral and non-polar, with phenylalanine, which is neutral and non-polar, at codon 149 of the CSRP3 protein (p.Ile149Phe). This variant is not present in population databases (gnomAD no frequency). This variant has not been reported in the literature in individuals affected with CSRP3-related conditions. ClinVar contains an entry for this variant (Variation ID: 846160). An algorithm developed to predict the effect of missense changes on protein structure and function (PolyPhen-2) suggests that this variant is likely to be tolerated. In summary, the available evidence is currently insufficient to determine the role of this variant in disease. Therefore, it has been classified as a Variant of Uncertain Significance.